The following is an entry in ClinVar:

ClinVar aggregate classification (germline): Pathogenic (1 of 4 stars; one submission).

Conditions:
Hereditary cancer-predisposing syndrome. Also called: Neoplastic Syndromes, Hereditary; Hereditary neoplastic syndrome; Tumor predisposition; Hereditary Cancer Syndrome. Identifiers: Orphanet 140162, MedGen C0027672, MeSH D009386, MONDO:0015356.

Submission:

Ambry Genetics
Classification: Pathogenic for Hereditary cancer-predisposing syndrome. Last evaluated: 2026-02-13. Review status: criteria provided, single submitter. Criteria: Ambry Variant Classification Scheme 2023. Collection method: clinical testing. Allele origin: germline.
Comment: The c.214_215delTC pathogenic mutation, located in coding exon 1 of the VHL gene, results from a deletion of two nucleotides at nucleotide positions 214 to 215, causing a translational frameshift with a predicted alternate stop codon (p.S72Pfs*59). This variant was reported in individual(s) with features consistent with von Hippel-Lindau syndrome (Ambry internal data). This variant is considered to be rare based on population cohorts in the Genome Aggregation Database (gnomAD). This variant is expected to result in loss of function by premature protein truncation or nonsense-mediated mRNA decay. As such, this variant is interpreted as a disease-causing mutation.

NM_000551.4(VHL):c.214_215del (p.Ser72fs)

Gene: VHL (von Hippel-Lindau tumor suppressor; plus strand). Cytogenetic location: 3p25.3.
Variant type: Deletion.
Coding change: c.214_215del on transcript NM_000551.4 (MANE Select); coding-DNA positions 214 to 215, 2 bases deleted (TC; older notation c.214_215delTC).
Protein change: p.Ser72fs; shifts the reading frame from serine 72.
Molecular consequence: frameshift variant. On other transcripts: non-coding transcript variant (1).
Genome position (GRCh38, 1-based): chr3:10,142,061-10,142,062, TC deleted; deleting any 2 consecutive bases within chr3:10,142,060-10,142,062 gives the same sequence; the c. name uses the placement nearest the transcript's 3' end. VCF-style (leftmost placement, unchanged base first): chr3-10142059-CCT-C. GRCh37 (hg19) VCF-style: chr3-10183743-CCT-C.
Other names: c.214_215del, p.Ser72fs (NM_001354723.2, NM_198156.3); short protein forms S72fs.
Identifiers: ClinVar variation 4824772 (VCV004824772.1).